The following is an entry in ClinVar:

NM_001754.5(RUNX1):c.861C>A (p.Tyr287Ter)

Gene: RUNX1 (RUNX family transcription factor 1; minus strand). Cytogenetic location: 21q22.12.
Variant type: single nucleotide variant.
Coding change: c.861C>A on transcript NM_001754.5 (MANE Select); coding-DNA position 861, C replaced by A.
Protein change: p.Tyr287Ter; replaces tyrosine 287 with a stop codon.
Molecular consequence: nonsense.
Genome position (GRCh38, 1-based): chr21:34,799,407, G>T on the plus strand (C>A on the coding strand, the complement: RUNX1 is on the minus strand). VCF-style: chr21-34799407-G-T. GRCh37 (hg19) VCF-style: chr21-36171704-G-T.
Other names: NM_001754.4(RUNX1):c.861C>A; NM_001754.5(RUNX1):c.861C>A; c.780C>A, p.Tyr260Ter (NM_001001890.3); short protein forms Y260*, Y287*.
Identifiers: ClinVar variation 14467 (VCV000014467.10), dbSNP rs121912499, ClinGen allele CA248619.

ClinVar aggregate classification (germline): Pathogenic. Review status: reviewed by expert panel (3 of 4 stars). 3 submissions from 3 submitters: Pathogenic (1). 2 of the submissions do not count toward it. Last evaluated 2024-03-26.

Conditions:
Hereditary thrombocytopenia and hematologic cancer predisposition syndrome. Identifiers: Orphanet 71290, MedGen CN281654, MONDO:0011071.
Hereditary thrombocytopenia and hematological cancer predisposition syndrome associated with RUNX1. Also called: Familial Platelet Disorder with Propensity to Acute Myelogenous Leukemia; PLATELET DISORDER, ASPIRIN-LIKE; RUNX1 Familial Platelet Disorder with Associated Myeloid Malignancies; Familial thrombocytopenia with propensity to acute myelogenous leukemia. Identifiers: Orphanet 71290, MedGen C1832388, MeSH C563324, MONDO:0100083, OMIM 601399.

Submissions (3):

ClinGen Myeloid Malignancy Variant Curation Expert Panel
Classification: Pathogenic for Hereditary thrombocytopenia and hematologic cancer predisposition syndrome. Last evaluated: 2024-03-26. Review status: reviewed by expert panel. Criteria: ClinGen MyeloMalig ACMG Specifications v2. Collection method: curation. Allele origin: germline. Inheritance: Autosomal dominant inheritance.
Comment: The NM_001754.4:c.861C>A (p.Tyr287Ter) variant is a nonsense variant that is predicted to introduce a premature stop codon and expected to result in nonsense-mediated mRNA decay (PVS1). This variant was found to co-segregate with disease in multiple affected family members, with seven meioses observed in one family (PP1_Strong; PMID: 11830488). This variant is completely absent from all population databases with at least 20x coverage for RUNX1 (PM2_supporting). This variant is a nonsense/frameshift variants that is downstream of c.98 (PM5_Supporting). The variant has been reported in one proband meeting at least one of the RUNX1-phenotypic criteria (PS4_ Supporting; PMID: 11830488). In summary, this variant meets criteria to be classified as pathogenic. ACMG/AMP criteria applied, as specified by the Myeloid Malignancy Variant Curation Expert Panel for RUNX1: PVS1, PP1_Strong, PM2_supporting, PS4_Supporting.

Labcorp Genetics (formerly Invitae), Labcorp
Classification: Pathogenic for Hereditary thrombocytopenia and hematological cancer predisposition syndrome associated with RUNX1. Last evaluated: 2021-11-06. Review status: criteria provided, single submitter. Criteria: Invitae Variant Classification Sherloc (09022015). Collection method: clinical testing. Allele origin: germline. Not counted in ClinVar's aggregate classification.
Comment: ClinVar contains an entry for this variant (Variation ID: 14467). For these reasons, this variant has been classified as Pathogenic. This sequence change creates a premature translational stop signal (p.Tyr287*) in the RUNX1 gene. It is expected to result in an absent or disrupted protein product. Loss-of-function variants in RUNX1 are known to be pathogenic (PMID: 18723428, 24100448). This variant is not present in population databases (gnomAD no frequency). This premature translational stop signal has been observed in individual(s) with familial platelet disorder with associated myeloid malignancy (PMID: 11830488). It has also been observed to segregate with disease in related individuals. This variant is also known as Y260X.

OMIM
Classification: Pathogenic for PLATELET DISORDER, FAMILIAL, WITH ASSOCIATED MYELOID MALIGNANCY. Last evaluated: 2002-02-15. Review status: no assertion criteria provided. Collection method: literature only. Allele origin: germline. Not counted in ClinVar's aggregate classification.

Literature cited by the submitters: PubMed 11830488 (cited by 3 submitters); PubMed 18723428 (cited by Labcorp Genetics (formerly Invitae), Labcorp); PubMed 24100448 (cited by Labcorp Genetics (formerly Invitae), Labcorp).